The following is an entry in ClinVar:

ClinVar aggregate classification (germline): Uncertain significance (1 of 4 stars; one submission).

Allele frequency attached by ClinVar (database versions not stated): TOPMed below 0.00001.

Submission:

GeneDx
Classification: Uncertain significance. Last evaluated: 2022-10-08. Review status: criteria provided, single submitter. Criteria: GeneDx Variant Classification Process June 2021. Collection method: clinical testing. Allele origin: germline. Affected: yes.
Comment: Not observed at significant frequency in large population cohorts (gnomAD); In silico analysis supports that this missense variant has a deleterious effect on protein structure/function; Has not been previously published as pathogenic or benign to our knowledge

NM_002662.5(PLD1):c.2106C>A (p.Asn702Lys)

Gene: PLD1 (phospholipase D1; minus strand). Cytogenetic location: 3q26.31.
Variant type: single nucleotide variant.
Coding change: c.2106C>A on transcript NM_002662.5 (MANE Select); coding-DNA position 2106, C replaced by A.
Protein change: p.Asn702Lys; replaces asparagine 702 with lysine.
Molecular consequence: missense variant.
Genome position (GRCh38, 1-based): chr3:171,676,724, G>T on the plus strand (C>A on the coding strand, the complement: PLD1 is on the minus strand). VCF-style: chr3-171676724-G-T. GRCh37 (hg19) VCF-style: chr3-171394514-G-T.
Other names: c.1992C>A, p.Asn664Lys (NM_001130081.3); short protein forms N664K, N702K.
Identifiers: ClinVar variation 2499180 (VCV002499180.1), dbSNP rs1713396116, ClinGen allele CA355495930.